The following is an entry in ClinVar:

NM_006662.3(SRCAP):c.5574C>T (p.Pro1858=)

Gene: SRCAP (Snf2 related CREBBP activator protein; plus strand). Cytogenetic location: 16p11.2.
Variant type: single nucleotide variant.
Coding change: c.5574C>T on transcript NM_006662.3 (MANE Select); coding-DNA position 5574, C replaced by T.
Protein change: p.Pro1858=; no amino-acid change (proline 1858 retained).
Molecular consequence: synonymous variant.
Genome position (GRCh38, 1-based): chr16:30,724,998, C>T. VCF-style: chr16-30724998-C-T. GRCh37 (hg19) VCF-style: chr16-30736319-C-T.
Identifiers: ClinVar variation 3031532 (VCV003031532.4), dbSNP rs769480198, ClinGen allele CA494674285.

ClinVar aggregate classification (germline): Likely benign. Review status: criteria provided, single submitter (1 of 4 stars). 2 submissions from 2 submitters: Likely benign (1). 1 of the submissions does not count toward it. Last evaluated 2024-04-16.

Conditions:
SRCAP-related disorder. Also called: SRCAP-related condition.

Submissions (2):

Labcorp Genetics (formerly Invitae), Labcorp
Classification: Likely benign. Last evaluated: 2024-04-16. Review status: criteria provided, single submitter. Criteria: Invitae Variant Classification Sherloc (09022015). Collection method: clinical testing. Allele origin: germline.

PreventionGenetics, part of Exact Sciences
Classification: Likely benign for SRCAP-related condition. Last evaluated: 2022-11-09. Review status: no assertion criteria provided. Collection method: clinical testing. Allele origin: germline. Not counted in ClinVar's aggregate classification.
Comment: This variant is classified as likely benign based on ACMG/AMP sequence variant interpretation guidelines (Richards et al. 2015 PMID: 25741868, with internal and published modifications).